The following is an entry in ClinVar:

NM_001004356.3(FGFRL1):c.1354T>G (p.Ser452Ala)

Gene: FGFRL1 (fibroblast growth factor receptor like 1; plus strand). Cytogenetic location: 4p16.3.
Variant type: single nucleotide variant.
Coding change: c.1354T>G on transcript NM_001004356.3 (MANE Select); coding-DNA position 1354, T replaced by G.
Protein change: p.Ser452Ala; replaces serine 452 with alanine.
Molecular consequence: missense variant.
Genome position (GRCh38, 1-based): chr4:1,025,186, T>G. VCF-style: chr4-1025186-T-G. GRCh37 (hg19) VCF-style: chr4-1018974-T-G.
Other names: c.1354T>G, p.Ser452Ala (NM_001004358.1, NM_001370296.1, NM_021923.3); short protein forms S452A.
Identifiers: ClinVar variation 1388364 (VCV001388364.6), dbSNP rs2153027496, ClinGen allele CA355935888.
Genomic context (GRCh38, chr4:1,025,186, plus strand): 5'-CTTCCCTCGTTGGCCGCCCTCAGCGCTGGCCCTGGTGTGGGGCTGTGTGAGGAGCATGGG[T>G]CTCCGGCAGCCCCCCAGCACTTACTGGGCCCAGGCCCAGTTGCTGGCCCTAAGTTGTACC-3'
Protein context (NP_001004356.1, residues 442-462): PGVGLCEEHG[Ser452Ala]PAAPQHLLGP

ClinVar aggregate classification (germline): Uncertain significance (1 of 4 stars; one submission).

Submission:

Labcorp Genetics (formerly Invitae), Labcorp
Classification: Uncertain significance. Last evaluated: 2023-10-13. Review status: criteria provided, single submitter. Criteria: Invitae Variant Classification Sherloc (09022015). Collection method: clinical testing. Allele origin: germline.
Comment: This sequence change replaces serine, which is neutral and polar, with alanine, which is neutral and non-polar, at codon 452 of the FGFRL1 protein (p.Ser452Ala). This variant is not present in population databases (gnomAD no frequency). This variant has not been reported in the literature in individuals affected with FGFRL1-related conditions. ClinVar contains an entry for this variant (Variation ID: 1388364). Algorithms developed to predict the effect of missense changes on protein structure and function output the following: SIFT: "Not Available"; PolyPhen-2: "Benign"; Align-GVGD: "Not Available". The alanine amino acid residue is found in multiple mammalian species, which suggests that this missense change does not adversely affect protein function. In summary, the available evidence is currently insufficient to determine the role of this variant in disease. Therefore, it has been classified as a Variant of Uncertain Significance.